The following is an entry in ClinVar:

NM_004380.3(CREBBP):c.5992G>A (p.Val1998Met)

Gene: CREBBP (CREB binding protein; minus strand). Cytogenetic location: 16p13.3.
Variant type: single nucleotide variant.
Coding change: c.5992G>A on transcript NM_004380.3 (MANE Select); coding-DNA position 5992, G replaced by A.
Protein change: p.Val1998Met; replaces valine 1998 with methionine.
Molecular consequence: missense variant.
Genome position (GRCh38, 1-based): chr16:3,729,055, C>T on the plus strand (G>A on the coding strand, the complement: CREBBP is on the minus strand). VCF-style: chr16-3729055-C-T. GRCh37 (hg19) VCF-style: chr16-3779056-C-T.
Other names: c.5878G>A, p.Val1960Met (NM_001079846.1); short protein forms V1960M, V1998M.
Identifiers: ClinVar variation 1302750 (VCV001302750.3), dbSNP rs756378412, ClinGen allele CA7869202.

ClinVar aggregate classification (germline): Uncertain significance (1 of 4 stars; one submission).

gnomAD v4.1: 20 of 1,585,018 alleles (0.0013%); highest among the groups gnomAD compares: Middle Eastern, 0.017%; no homozygotes.

Submission:

GeneDx
Classification: Uncertain significance. Last evaluated: 2025-04-11. Review status: criteria provided, single submitter. Criteria: GeneDx Variant Classification Process June 2021. Collection method: clinical testing. Allele origin: germline. Affected: yes.
Comment: Has not been previously published as pathogenic or benign to our knowledge; In silico analysis supports that this missense variant does not alter protein structure/function